The following is an entry in ClinVar:

ClinVar aggregate classification (germline): Uncertain significance. Review status: criteria provided, multiple submitters, no conflicts (2 of 4 stars). 3 submissions from 3 submitters: Uncertain significance (3). Last evaluated 2026-06-29.

Conditions:
MYLK2-related disorder. Also called: MYLK2-related condition.
Hypertrophic cardiomyopathy 1 (CMH1). Also called: Familial hypertrophic cardiomyopathy 1; MYH7-Related Familial Hypertrophic Cardiomyopathy. Identifiers: MedGen C3495498, MONDO:0008647, OMIM 192600.

Allele frequency attached by ClinVar (database versions not stated): gnomAD 0.00001; gnomAD exomes below 0.00001.
gnomAD v4.1: 3 of 1,588,010 alleles (0.00019%); highest among the groups gnomAD compares: African/African-American, 0.004%; no homozygotes.

Submissions (3):

PreventionGenetics, part of Exact Sciences
Classification: Uncertain significance for MYLK2-related condition. Last evaluated: 2026-06-29. Review status: criteria provided, single submitter. Criteria: ACMG Guidelines, 2015. Collection method: clinical testing. Allele origin: germline.
Comment: The MYLK2 c.1671G>T variant is predicted to result in the amino acid substitution p.Gln557His. To our knowledge, this variant has not been reported in the literature. This variant is reported in 0.0065% of alleles in individuals of African descent in gnomAD. At this time, the clinical significance of this variant is uncertain due to the absence of conclusive functional and genetic evidence.

Labcorp Genetics (formerly Invitae), Labcorp
Classification: Uncertain significance for Hypertrophic cardiomyopathy 1. Last evaluated: 2022-09-01. Review status: criteria provided, single submitter. Criteria: Invitae Variant Classification Sherloc (09022015). Collection method: clinical testing. Allele origin: germline.
Comment: ClinVar contains an entry for this variant (Variation ID: 1194136). This variant has not been reported in the literature in individuals affected with MYLK2-related conditions. The frequency data for this variant in the population databases is considered unreliable, as metrics indicate poor data quality at this position in the gnomAD database. This sequence change replaces glutamine, which is neutral and polar, with histidine, which is basic and polar, at codon 557 of the MYLK2 protein (p.Gln557His). Algorithms developed to predict the effect of missense changes on protein structure and function are either unavailable or do not agree on the potential impact of this missense change (SIFT: "Deleterious"; PolyPhen-2: "Probably Damaging"; Align-GVGD: "Class C0"). In summary, the available evidence is currently insufficient to determine the role of this variant in disease. Therefore, it has been classified as a Variant of Uncertain Significance.

GeneDx
Classification: Uncertain significance. Last evaluated: 2019-06-07. Review status: criteria provided, single submitter. Criteria: GeneDx Variant Classification Process June 2021. Collection method: clinical testing. Allele origin: germline. Affected: yes.
Comment: Not observed at a significant frequency in large population cohorts (Lek et al., 2016); In silico analysis, which includes protein predictors and evolutionary conservation, supports a deleterious effect; Has not been previously published as pathogenic or benign to our knowledge

NM_033118.4(MYLK2):c.1671G>T (p.Gln557His)

Gene: MYLK2 (myosin light chain kinase 2; plus strand). Cytogenetic location: 20q11.21.
Variant type: single nucleotide variant.
Coding change: c.1671G>T on transcript NM_033118.4 (MANE Select); coding-DNA position 1671, G replaced by T.
Protein change: p.Gln557His; replaces glutamine 557 with histidine.
Molecular consequence: missense variant.
Genome position (GRCh38, 1-based): chr20:31,832,097, G>T. VCF-style: chr20-31832097-G-T. GRCh37 (hg19) VCF-style: chr20-30419900-G-T.
Other names: short protein forms Q557H.
Identifiers: ClinVar variation 1194136 (VCV001194136.11), dbSNP rs1405172030, ClinGen allele CA408528408.
Genomic context (GRCh38, chr20:31,832,097, plus strand): 5'-TCCCTGGCTCAACAACCTGGCGGAGAAAGCCAAACGCTGTAACCGACGCCTTAAGTCCCA[G>T]ATCTTGCTTAAGAAATACCTCATGAAGAGGCGCTGGAAGGTACCGCTGGATTCAGGGTGG-3'
Protein context (NP_149109.1, residues 547-567): AKRCNRRLKS[Gln557His]ILLKKYLMKR